The following is an entry in ClinVar:

ClinVar aggregate classification (germline): Uncertain significance (1 of 4 stars; one submission).

Submission:

GeneDx
Classification: Uncertain significance. Last evaluated: 2024-08-10. Review status: criteria provided, single submitter. Criteria: GeneDx Variant Classification Process June 2021. Collection method: clinical testing. Allele origin: germline. Affected: yes.
Comment: Not observed at significant frequency in large population cohorts (gnomAD); In silico analysis supports that this missense variant has a deleterious effect on protein structure/function; Has not been previously published as pathogenic or benign to our knowledge

NM_006922.4(SCN3A):c.5350C>G (p.Pro1784Ala)

Gene: SCN3A (sodium voltage-gated channel alpha subunit 3; minus strand). Cytogenetic location: 2q24.3.
Variant type: single nucleotide variant.
Coding change: c.5350C>G on transcript NM_006922.4 (MANE Select); coding-DNA position 5350, C replaced by G.
Protein change: p.Pro1784Ala; replaces proline 1784 with alanine.
Molecular consequence: missense variant.
Genome position (GRCh38, 1-based): chr2:165,090,803, G>C on the plus strand (C>G on the coding strand, the complement: SCN3A is on the minus strand). VCF-style: chr2-165090803-G-C. GRCh37 (hg19) VCF-style: chr2-165947313-G-C.
Other names: c.5203C>G, p.Pro1735Ala (NM_001081676.2, NM_001081677.2); short protein forms P1735A, P1784A.
Identifiers: ClinVar variation 3602895 (VCV003602895.1).
Genomic context (GRCh38, chr2:165,090,803, plus strand): 5'-CATCGGGATCAAACTTTTCCCAAACCTCATAGAACATCTCAAAGTCATCCTCACTCAGGG[G>C]CTCTGCACTTTCTTCAGTAGCAACACTGAAGTTCTCCAGGATGACCGCGATGTACATGTT-3'
Protein context (NP_008853.3, residues 1774-1794): FSVATEESAE[Pro1784Ala]LSEDDFEMFY